The following is an entry in ClinVar:

ClinVar aggregate classification (germline): Uncertain significance (1 of 4 stars; one submission).

Allele frequency attached by ClinVar (database versions not stated): gnomAD exomes below 0.00001.
gnomAD v4.1: 1 of 1,609,286 alleles (0.000062%); highest among the groups gnomAD compares: Non-Finnish European, 0.000085%; no homozygotes.

Submission:

Genetic Medico-Diagnostic Laboratory Genica
Classification: Uncertain significance. Last evaluated: 2023-05-12. Review status: criteria provided, single submitter. Criteria: ACMG Guidelines, 2015. Collection method: clinical testing. Allele origin: germline. Affected: yes. Observed: 1 heterozygote.
Comment: The variant is described as a Variant of Uncertain Significance according to the ACMG Guidelines, 2015.

NM_002430.3(MN1):c.2803G>A (p.Val935Ile)

Gene: MN1 (MN1 proto-oncogene, transcriptional regulator; minus strand). Cytogenetic location: 22q12.1.
Variant type: single nucleotide variant.
Coding change: c.2803G>A on transcript NM_002430.3 (MANE Select); coding-DNA position 2803, G replaced by A.
Protein change: p.Val935Ile; replaces valine 935 with isoleucine.
Molecular consequence: missense variant.
Genome position (GRCh38, 1-based): chr22:27,797,741, C>T on the plus strand (G>A on the coding strand, the complement: MN1 is on the minus strand). VCF-style: chr22-27797741-C-T. GRCh37 (hg19) VCF-style: chr22-28193729-C-T.
Other names: short protein forms V935I.
Identifiers: ClinVar variation 2502422 (VCV002502422.2), dbSNP rs1425710106, ClinGen allele CA411044447.